The following is an entry in ClinVar:

ClinVar aggregate classification (germline): Pathogenic/Likely pathogenic. Review status: criteria provided, multiple submitters, no conflicts (2 of 4 stars). 2 submissions from 2 submitters: Pathogenic (1); Likely pathogenic (1). Last evaluated 2026-07-16.

Conditions:
Hereditary factor XI deficiency disease. Also called: PLASMA THROMBOPLASTIN ANTECEDENT DEFICIENCY; PTA DEFICIENCY; ROSENTHAL SYNDROME; Congenital factor XI deficiency. Identifiers: Orphanet 329, MedGen C0015523, MeSH D005173, MONDO:0012897, OMIM 612416.

Submissions (2):

Myriad Genetics, Inc.
Classification: Pathogenic for Hereditary factor XI deficiency disease. Last evaluated: 2026-07-16. Review status: criteria provided, single submitter. Criteria: Myriad Autosomal Dominant, Autosomal Recessive and X-Linked Classification Criteria (2023). Collection method: clinical testing. Allele origin: unknown.
Comment: NM_000128.3(F11):c.1636C>T(Q546*) is a nonsense variant classified as pathogenic in the context of factor XI deficiency. Q546* has not been observed in cases with relevant disease. Relevant functional assessments of this variant are not available in the literature. Q546* has not been observed in referenced population frequency databases. In summary, NM_000128.3(F11):c.1636C>T(Q546*) is a nonsense variant in a gene where loss of function is a known mechanism of disease and is predicted to disrupt protein function. Please note: this variant was assessed in the context of healthy population screening.

Mayo Clinic Laboratories, Mayo Clinic
Classification: Likely pathogenic. Last evaluated: 2025-07-18. Review status: criteria provided, single submitter. Criteria: ACMG Guidelines, 2015. Collection method: clinical testing. Allele origin: germline. Observed: 1 variant allele.
Comment: PM2_supporting, PVS1

NM_000128.4(F11):c.1636C>T (p.Gln546Ter)

Genes: F11 (coagulation factor XI; plus strand), F11-AS1 (F11 antisense RNA 1; minus strand). Cytogenetic location: 4q35.2.
Variant type: single nucleotide variant.
Coding change: c.1636C>T on transcript NM_000128.4 (MANE Select); coding-DNA position 1636, C replaced by T.
Protein change: p.Gln546Ter; replaces glutamine 546 with a stop codon.
Molecular consequence: nonsense.
Genome position (GRCh38, 1-based): chr4:186,287,743, C>T. VCF-style: chr4-186287743-C-T. GRCh37 (hg19) VCF-style: chr4-187208897-C-T.
Other names: p.Gln546*; c.1588C>T, p.Gln530Ter (NM_001440590.1); c.1540C>T, p.Gln514Ter (NM_001440593.1); c.1492C>T, p.Gln498Ter (NM_001440596.1); c.1366C>T, p.Gln456Ter (NM_001440605.1); c.1318C>T, p.Gln440Ter (NM_001440606.1); c.1270C>T, p.Gln424Ter (NM_001440607.1); c.1222C>T, p.Gln408Ter (NM_001440608.1); short protein forms Q424*, Q498*, Q440*, Q514*, Q546*, Q530*, Q408*, Q456*.
Identifiers: ClinVar variation 4541024 (VCV004541024.2).